The following is an entry in ClinVar:

NM_017802.4(DNAAF5):c.363_373del (p.Ala122fs)

Genes: DNAAF5 (dynein axonemal assembly factor 5; plus strand), PRKAR1B (protein kinase cAMP-dependent type I regulatory subunit beta; minus strand). Cytogenetic location: 7p22.3.
Variant type: Deletion.
Coding change: c.363_373del on transcript NM_017802.4 (MANE Select); coding-DNA positions 363 to 373, 11 bases deleted (CGCCGCGCGCT).
Protein change: p.Ala122fs; shifts the reading frame from alanine 122.
Molecular consequence: frameshift variant. On other transcripts: non-coding transcript variant (1), intron variant (3).
Genome position (GRCh38, 1-based): chr7:727,083-727,093, CGCCGCGCGCT deleted; deleting any 11 consecutive bases within chr7:727,077-727,093 gives the same sequence; the c. name uses the placement nearest the transcript's 3' end. VCF-style (leftmost placement, unchanged base first): chr7-727076-CCGCGCTCGCCG-C. GRCh37 (hg19) VCF-style: chr7-766713-CCGCGCTCGCCG-C.
Other names: c.-23+568_-23+578del (NM_001164759.1); c.-23+503_-23+513del (NM_001164758.2); c.-23+123_-23+133del (NM_001164760.2); short protein forms A122fs.
Identifiers: ClinVar variation 454864 (VCV000454864.7), dbSNP rs1554248794, ClinGen allele CA658657639.

ClinVar aggregate classification (germline): Pathogenic (1 of 4 stars; one submission).

Conditions:
Primary ciliary dyskinesia. Also called: Ciliary dyskinesia. Identifiers: Orphanet 244, MedGen C0008780, MONDO:0016575, HP:0012265.

Submission:

Labcorp Genetics (formerly Invitae), Labcorp
Classification: Pathogenic for Primary ciliary dyskinesia. Last evaluated: 2021-02-09. Review status: criteria provided, single submitter. Criteria: Invitae Variant Classification Sherloc (09022015). Collection method: clinical testing. Allele origin: germline.
Comment: For these reasons, this variant has been classified as Pathogenic. This variant has not been reported in the literature in individuals with DNAAF5-related conditions. ClinVar contains an entry for this variant (Variation ID: 454864). The frequency data for this variant in the population databases is considered unreliable, as metrics indicate insufficient coverage at this position in the ExAC database. This sequence change creates a premature translational stop signal (p.Ala122Glyfs*14) in the DNAAF5 gene. It is expected to result in an absent or disrupted protein product. Loss-of-function variants in DNAAF5 are known to be pathogenic (PMID: 24307375, 25232951).

Literature cited by the submitters: PubMed 24307375; PubMed 25232951.